The following is an entry in ClinVar:

ClinVar aggregate classification (germline): Uncertain significance (1 of 4 stars; one submission).

Allele frequency attached by ClinVar (database versions not stated): gnomAD exomes 0.00001 and 0.00003; TOPMed 0.00002; ExAC 0.00003; gnomAD 0.00003 and 0.00004.
gnomAD v4.1: 22 of 1,614,082 alleles (0.0014%); highest among the groups gnomAD compares: East Asian, 0.0045%; no homozygotes.

Submission:

Labcorp Genetics (formerly Invitae), Labcorp
Classification: Uncertain significance. Last evaluated: 2025-04-14. Review status: criteria provided, single submitter. Criteria: Invitae Variant Classification Sherloc (09022015). Collection method: clinical testing. Allele origin: germline.
Comment: This sequence change replaces valine, which is neutral and non-polar, with methionine, which is neutral and non-polar, at codon 222 of the SCO2 protein (p.Val222Met). This variant is present in population databases (rs764093441, gnomAD 0.02%). This variant has not been reported in the literature in individuals affected with SCO2-related conditions. ClinVar contains an entry for this variant (Variation ID: 1476530). Invitae Evidence Modeling of protein sequence and biophysical properties (such as structural, functional, and spatial information, amino acid conservation, physicochemical variation, residue mobility, and thermodynamic stability) indicates that this missense variant is not expected to disrupt SCO2 protein function with a negative predictive value of 80%. In summary, the available evidence is currently insufficient to determine the role of this variant in disease. Therefore, it has been classified as a Variant of Uncertain Significance.

NM_005138.3(SCO2):c.664G>A (p.Val222Met)

Genes: NCAPH2 (non-SMC condensin II complex subunit H2; plus strand), SCO2 (synthesis of cytochrome C oxidase 2; minus strand). Cytogenetic location: 22q13.33.
Variant type: single nucleotide variant.
Coding change: c.664G>A on transcript NM_005138.3 (MANE Select); coding-DNA position 664, G replaced by A.
Protein change: p.Val222Met; replaces valine 222 with methionine.
Molecular consequence: missense variant. On other transcripts: 3 prime UTR variant (2).
Genome position (GRCh38, 1-based): chr22:50,523,748, C>T on the plus strand (G>A on the coding strand, the complement: SCO2 is on the minus strand). VCF-style: chr22-50523748-C-T. GRCh37 (hg19) VCF-style: chr22-50962177-C-T.
Other names: c.*373C>T (NM_001185011.2, NM_152299.4); c.664G>A, p.Val222Met (NM_001169109.2, NM_001169110.1, NM_001169111.2); short protein forms V222M.
Identifiers: ClinVar variation 1476530 (VCV001476530.7), dbSNP rs764093441, ClinGen allele CA10321148.
Genomic context (GRCh38, chr22:50,523,748, plus strand): 5'-CGTAGTAATCCGTGAAGAGGCCGTCAGGGTTGAGCAGGTAGATGGCAATGGAGTGGTCCA[C>T]GATGTAGTCCTGGTCCTCATCCTTGGGGCCTGCATTGTAGTACACGCGGTAACTGTGACT-3'
Protein context (NP_005129.2, residues 212-232): GPKDEDQDYI[Val222Met]DHSIAIYLLN